The following is an entry in ClinVar:

NM_001009944.3(PKD1):c.11713-10C>T

Gene: PKD1 (polycystin 1, transient receptor potential channel interacting; minus strand). Cytogenetic location: 16p13.3.
Variant type: single nucleotide variant.
Coding change: c.11713-10C>T on transcript NM_001009944.3 (MANE Select); 10 bases into the intron before coding-DNA position 11713, C replaced by T.
Molecular consequence: intron variant.
Genome position (GRCh38, 1-based): chr16:2,091,184, G>A on the plus strand (C>T on the coding strand, the complement: PKD1 is on the minus strand). VCF-style: chr16-2091184-G-A. GRCh37 (hg19) VCF-style: chr16-2141185-G-A.
Other names: c.11710-10C>T (NM_000296.4).
Identifiers: ClinVar variation 3032225 (VCV003032225.2), dbSNP rs1473504987, ClinGen allele CA2631120500.

ClinVar aggregate classification (germline): Likely benign (0 of 4 stars; one submission).

Conditions:
PKD1-related disorder. Also called: PKD1-related condition.

gnomAD v4.1: 3 of 1,405,638 alleles (0.00021%); highest among the groups gnomAD compares: South Asian, 0.003%; no homozygotes.

Submission:

PreventionGenetics, part of Exact Sciences
Classification: Likely benign for PKD1-related condition. Last evaluated: 2020-09-09. Review status: no assertion criteria provided. Collection method: clinical testing. Allele origin: germline.
Comment: This variant is classified as likely benign based on ACMG/AMP sequence variant interpretation guidelines (Richards et al. 2015 PMID: 25741868, with internal and published modifications).